The following is an entry in ClinVar:

ClinVar aggregate classification (germline): Uncertain significance. Review status: criteria provided, single submitter (1 of 4 stars). 2 submissions from 2 submitters: Uncertain significance (1). 1 of the submissions does not count toward it. Last evaluated 2020-05-07.

Conditions:
Armfield syndrome (MRXSA). Identifiers: Orphanet 85276, MedGen C1846057, MONDO:0010284, OMIM 300261.

Allele frequency attached by ClinVar (database versions not stated): gnomAD exomes below 0.00001; TOPMed below 0.00001.
gnomAD v4.1: 2 of 1,211,367 alleles (0.00017%); highest among the groups gnomAD compares: Non-Finnish European, 0.00022%; no homozygotes.

Submissions (2):

GeneDx
Classification: Uncertain significance. Last evaluated: 2020-05-07. Review status: criteria provided, single submitter. Criteria: GeneDx Variant Classification (06012015). Collection method: clinical testing. Allele origin: germline. Affected: yes.
Comment: The R273W variant in the FAM50A gene has been observed in the hemizygous state in GeneDx data in association with global developmental delay, dysmorphic features, and exotropia. The R273W variant is not observed in large population cohorts (Lek et al., 2016). In silico analysis supports that this missense variant has a deleterious effect on protein structure/function. We interpret R273W as a variant of uncertain significance.

OMIM
Classification: Pathogenic for INTELLECTUAL DEVELOPMENTAL DISORDER, X-LINKED, SYNDROMIC, ARMFIELD TYPE. Last evaluated: 2020-08-27. Review status: no assertion criteria provided. Collection method: literature only. Allele origin: germline. Not counted in ClinVar's aggregate classification.

Literature cited by the submitters: PubMed 32703943 (cited by OMIM).

NM_004699.4(FAM50A):c.817C>T (p.Arg273Trp)

Gene: FAM50A (family with sequence similarity 50 member A; plus strand). Cytogenetic location: Xq28.
Variant type: single nucleotide variant.
Coding change: c.817C>T on transcript NM_004699.4 (MANE Select); coding-DNA position 817, C replaced by T.
Protein change: p.Arg273Trp; replaces arginine 273 with tryptophan.
Molecular consequence: missense variant.
Genome position (GRCh38, 1-based): chrX:154,449,919, C>T. VCF-style: chrX-154449919-C-T. GRCh37 (hg19) VCF-style: chrX-153678267-C-T.
Other names: short protein forms R273W.
Identifiers: ClinVar variation 872940 (VCV000872940.1), dbSNP rs2068798311, ClinGen allele CA415220165.